The following is an entry in ClinVar:

ClinVar aggregate classification (germline): Uncertain significance (1 of 4 stars; one submission).

Conditions:
Nemaline myopathy 2 (NEM2). Also called: Nemaline myopathy 2, autosomal recessive. Identifiers: MedGen C1850569, MONDO:0009725, OMIM 256030.

Allele frequency attached by ClinVar (database versions not stated): gnomAD 0.00001; TOPMed 0.00001.
gnomAD v4.1: 19 of 1,611,480 alleles (0.0012%); highest among the groups gnomAD compares: South Asian, 0.0044%; no homozygotes.

Submission:

Labcorp Genetics (formerly Invitae), Labcorp
Classification: Uncertain significance for Nemaline myopathy 2. Last evaluated: 2022-10-24. Review status: criteria provided, single submitter. Criteria: Invitae Variant Classification Sherloc (09022015). Collection method: clinical testing. Allele origin: germline.
Comment: This sequence change replaces tyrosine, which is neutral and polar, with cysteine, which is neutral and slightly polar, at codon 2284 of the NEB protein (p.Tyr2284Cys). This variant is present in population databases (rs778637750, gnomAD 0.0009%). This variant has not been reported in the literature in individuals affected with NEB-related conditions. ClinVar contains an entry for this variant (Variation ID: 1383255). Algorithms developed to predict the effect of missense changes on protein structure and function are either unavailable or do not agree on the potential impact of this missense change (SIFT: "Deleterious"; PolyPhen-2: "Not Available"; Align-GVGD: "Class C0"). In summary, the available evidence is currently insufficient to determine the role of this variant in disease. Therefore, it has been classified as a Variant of Uncertain Significance.

NM_001164508.2(NEB):c.6851A>G (p.Tyr2284Cys)

Gene: NEB (nebulin; minus strand). Cytogenetic location: 2q23.3.
Variant type: single nucleotide variant.
Coding change: c.6851A>G on transcript NM_001164508.2 (MANE Select); coding-DNA position 6851, A replaced by G.
Protein change: p.Tyr2284Cys; replaces tyrosine 2284 with cysteine.
Molecular consequence: missense variant.
Genome position (GRCh38, 1-based): chr2:151,654,056, T>C on the plus strand (A>G on the coding strand, the complement: NEB is on the minus strand). VCF-style: chr2-151654056-T-C. GRCh37 (hg19) VCF-style: chr2-152510570-T-C.
Other names: c.6851A>G, p.Tyr2284Cys (NM_001164507.2, NM_001271208.2, NM_004543.5); short protein forms Y2284C.
Identifiers: ClinVar variation 1383255 (VCV001383255.3), dbSNP rs778637750, ClinGen allele CA1909984.